The following is an entry in ClinVar:

NM_004304.5(ALK):c.2744G>A (p.Trp915Ter)

Gene: ALK (ALK receptor tyrosine kinase; minus strand). Cytogenetic location: 2p23.2.
Variant type: single nucleotide variant.
Coding change: c.2744G>A on transcript NM_004304.5 (MANE Select); coding-DNA position 2744, G replaced by A.
Protein change: p.Trp915Ter; replaces tryptophan 915 with a stop codon.
Molecular consequence: nonsense.
Genome position (GRCh38, 1-based): chr2:29,228,955, C>T on the plus strand (G>A on the coding strand, the complement: ALK is on the minus strand). VCF-style: chr2-29228955-C-T. GRCh37 (hg19) VCF-style: chr2-29451821-C-T.
Other names: short protein forms W915*.
Identifiers: ClinVar variation 2032044 (VCV002032044.4), dbSNP rs1241864472, ClinGen allele CA346469723.
Genomic context (GRCh38, chr2:29,228,955, plus strand): 5'-CCGCCTCCTCCACCTGAGGAGCACCCCCCTCCACCCCCTCCGAAACCCCCTCTTGTCTCC[C>T]ACCCCCACTTCTTCATGGCCTGGGGGCAGGAATGTCCTCCGGTGGCACCCTCCTGCAAAG-3'

ClinVar aggregate classification (germline): Uncertain significance (1 of 4 stars; one submission).

Conditions:
Neuroblastoma, susceptibility to, 3. Also called: ALK-Related Neuroblastic Tumor Susceptibility. Identifiers: Orphanet 635, MedGen C2751681, MONDO:0013083, OMIM 613014.

Submission:

Labcorp Genetics (formerly Invitae), Labcorp
Classification: Uncertain significance for Neuroblastoma, susceptibility to, 3. Last evaluated: 2022-09-23. Review status: criteria provided, single submitter. Criteria: Invitae Variant Classification Sherloc (09022015). Collection method: clinical testing. Allele origin: germline.
Comment: This sequence change creates a premature translational stop signal (p.Trp915*) in the ALK gene. It is expected to result in an absent or disrupted protein product. However, the current clinical and genetic evidence is not sufficient to establish whether loss-of-function variants in ALK cause disease. In summary, the available evidence is currently insufficient to determine the role of this variant in disease. Therefore, it has been classified as a Variant of Uncertain Significance. Algorithms developed to predict the effect of sequence changes on RNA splicing suggest that this variant may disrupt the consensus splice site. This variant has not been reported in the literature in individuals affected with ALK-related conditions. This variant is not present in population databases (gnomAD no frequency).